The following is an entry in ClinVar:

ClinVar aggregate classification (germline): Likely pathogenic (1 of 4 stars; one submission).

Conditions:
Werner syndrome (WRN). Identifiers: Orphanet 902, MedGen C0043119, MONDO:0010196, OMIM 277700.

Submission:

Labcorp Genetics (formerly Invitae), Labcorp
Classification: Likely pathogenic for Werner syndrome. Last evaluated: 2020-08-05. Review status: criteria provided, single submitter. Criteria: Invitae Variant Classification Sherloc (09022015). Collection method: clinical testing. Allele origin: germline.
Comment: In summary, the currently available evidence indicates that the variant is pathogenic, but additional data are needed to prove that conclusively. Therefore, this variant has been classified as Likely Pathogenic. Donor and acceptor splice site variants typically lead to a loss of protein function (PMID: 16199547), and loss-of-function variants in WRN are known to be pathogenic (PMID: 16673358). Algorithms developed to predict the effect of sequence changes on RNA splicing suggest that this variant may disrupt the consensus splice site, but this prediction has not been confirmed by published transcriptional studies. This variant has not been reported in the literature in individuals with WRN-related conditions. This variant is not present in population databases (ExAC no frequency). This sequence change affects an acceptor splice site in intron 32 of the WRN gene. It is expected to disrupt RNA splicing and likely results in an absent or disrupted protein product.

Literature cited by the submitters: PubMed 16199547; PubMed 16673358.

NM_000553.6(WRN):c.3820-1G>A

Gene: WRN (WRN RecQ like helicase; plus strand). Cytogenetic location: 8p12.
Variant type: single nucleotide variant.
Coding change: c.3820-1G>A on transcript NM_000553.6 (MANE Select); the canonical splice acceptor site of the intron before coding-DNA position 3820, G replaced by A.
Molecular consequence: splice acceptor variant.
Genome position (GRCh38, 1-based): chr8:31,157,367, G>A. VCF-style: chr8-31157367-G-A. GRCh37 (hg19) VCF-style: chr8-31014883-G-A.
Identifiers: ClinVar variation 1067783 (VCV001067783.5), dbSNP rs1803425342, ClinGen allele CA370929266.
Genomic context (GRCh38, chr8:31,157,367, plus strand): 5'-TTTCCATGACTGGAGTGGACACTTTTACAACTCACTGGGTTCTTTGCTGATCTTTCTCTA[G>A]AAGAGCATAGCTGAGAGCAGGATTCTGCCTCTCATGACAATTGGCATGCACTTATCCCAA-3'